The following is an entry in ClinVar:

ClinVar aggregate classification (germline): Uncertain significance (1 of 4 stars; one submission).

Submission:

Mayo Clinic Laboratories, Mayo Clinic
Classification: Uncertain significance. Last evaluated: 2024-07-02. Review status: criteria provided, single submitter. Criteria: ACMG Guidelines, 2015. Collection method: clinical testing. Allele origin: germline. Observed: 1 variant allele.
Comment: PM2, PVS1_moderate

NM_002473.6(MYH9):c.5835del (p.Glu1946fs)

Gene: MYH9 (myosin heavy chain 9; minus strand). Cytogenetic location: 22q12.3.
Variant type: Deletion.
Coding change: c.5835del on transcript NM_002473.6 (MANE Select); coding-DNA position 5835, one base deleted (A; older notation c.5835delA).
Protein change: p.Glu1946fs; shifts the reading frame from glutamic acid 1946.
Molecular consequence: frameshift variant.
Genome position (GRCh38, 1-based): chr22:36,282,716, T deleted on the plus strand (A on the coding strand, the reverse complement: MYH9 is on the minus strand); the first of 2 consecutive T bases (chr22:36,282,716-36,282,717); deleting either gives the same sequence. VCF-style (leftmost placement, unchanged base first): chr22-36282715-CT-C. GRCh37 (hg19) VCF-style: chr22-36678761-CT-C.
Other names: p.Glu1946Argfs*2; c.5834delA, p.Glu1946Argfs (NM_002473.5); short protein forms E1946fs.
Identifiers: ClinVar variation 3380711 (VCV003380711.1).
Genomic context (GRCh38, chr22:36,282,715, plus strand): 5'-CAGGAGAAGAGGCTTATTCGGCAGGTTTGGCCTCAGCCCCATCCGCTTTGCCATCTACCT[CT>C]TCGTCGGAGCCATCCCCGGCGCCTTTCCGGGCCATTCGGCGGGGCACGACAAACGGCAGG-3'